The following is an entry in ClinVar:

NM_001353694.2(TIAM1):c.1287C>T (p.Ala429=)

Gene: TIAM1 (TIAM Rac1 associated GEF 1; minus strand). Cytogenetic location: 21q22.11.
Variant type: single nucleotide variant.
Coding change: c.1287C>T on transcript NM_001353694.2 (MANE Select); coding-DNA position 1287, C replaced by T.
Protein change: p.Ala429=; no amino-acid change (alanine 429 retained).
Molecular consequence: synonymous variant.
Genome position (GRCh38, 1-based): chr21:31,251,866, G>A on the plus strand (C>T on the coding strand, the complement: TIAM1 is on the minus strand). VCF-style: chr21-31251866-G-A. GRCh37 (hg19) VCF-style: chr21-32624182-G-A.
Other names: c.1287C>T, p.Ala429= (NM_001353686.2, NM_001353687.2, NM_001353688.1 and 6 more transcripts).
Identifiers: ClinVar variation 3047288 (VCV003047288.2), dbSNP rs143446696, ClinGen allele CA9998473.

ClinVar aggregate classification (germline): Likely benign (0 of 4 stars; one submission).

Conditions:
TIAM1-related disorder. Also called: TIAM1-related condition.

Allele frequency attached by ClinVar (database versions not stated): gnomAD exomes 0.00002; ExAC 0.00007; gnomAD 0.00014; TOPMed 0.00019; ESP Exome Variant Server 0.00023.

Submission:

PreventionGenetics, part of Exact Sciences
Classification: Likely benign for TIAM1-related condition. Last evaluated: 2019-03-04. Review status: no assertion criteria provided. Collection method: clinical testing. Allele origin: germline.
Comment: This variant is classified as likely benign based on ACMG/AMP sequence variant interpretation guidelines (Richards et al. 2015 PMID: 25741868, with internal and published modifications).